The following is an entry in ClinVar:

NM_032119.4(ADGRV1):c.11757+1G>A

Gene: ADGRV1 (adhesion G protein-coupled receptor V1; plus strand). Cytogenetic location: 5q14.3.
Variant type: single nucleotide variant.
Coding change: c.11757+1G>A on transcript NM_032119.4 (MANE Select); the canonical splice donor site of the intron after coding-DNA position 11757, G replaced by A.
Molecular consequence: splice donor variant.
Genome position (GRCh38, 1-based): chr5:90,756,631, G>A. VCF-style: chr5-90756631-G-A. GRCh37 (hg19) VCF-style: chr5-90052448-G-A.
Identifiers: ClinVar variation 1475544 (VCV001475544.6), dbSNP rs886498535, ClinGen allele CA122799039.
Genomic context (GRCh38, chr5:90,756,631, plus strand): 5'-GAGATAATGATAGAAGAAAATGACGATCCCAGAGGAATTTTTATGTTTCATGTTACTAGA[G>A]TGAGATGAACTTTCATTTGTTTACAGTCATACAGAGGCCTCTCCCTGCTGATTTGGCCAG-3'

ClinVar aggregate classification (germline): Likely pathogenic (1 of 4 stars; one submission).

Allele frequency attached by ClinVar (database versions not stated): gnomAD exomes below 0.00001; TOPMed 0.00001.
gnomAD v4.1: 2 of 1,612,016 alleles (0.00012%); highest among the groups gnomAD compares: African/African-American, 0.0013%; no homozygotes.

Submission:

Labcorp Genetics (formerly Invitae), Labcorp
Classification: Likely pathogenic. Last evaluated: 2023-06-06. Review status: criteria provided, single submitter. Criteria: Invitae Variant Classification Sherloc (09022015). Collection method: clinical testing. Allele origin: germline.
Comment: In summary, the currently available evidence indicates that the variant is pathogenic, but additional data are needed to prove that conclusively. Therefore, this variant has been classified as Likely Pathogenic. Algorithms developed to predict the effect of sequence changes on RNA splicing suggest that this variant may disrupt the consensus splice site. ClinVar contains an entry for this variant (Variation ID: 1475544). Disruption of this splice site has been observed in individual(s) with clinical features of retinitis pigmentosa (Invitae). The frequency data for this variant in the population databases is considered unreliable, as metrics indicate poor data quality at this position in the gnomAD database. This sequence change affects a donor splice site in intron 56 of the ADGRV1 gene. It is expected to disrupt RNA splicing. Variants that disrupt the donor or acceptor splice site typically lead to a loss of protein function (PMID: 16199547), and loss-of-function variants in ADGRV1 are known to be pathogenic (PMID: 19357117, 22135276, 22147658, 26226137, 30718709, 31047384, 32467589).

Literature cited by the submitters: PubMed 16199547; PubMed 19357117; PubMed 22135276; PubMed 22147658; PubMed 26226137; PubMed 30718709; PubMed 31047384; PubMed 32467589.